The following is an entry in ClinVar:

ClinVar aggregate classification (germline): Uncertain significance (1 of 4 stars; one submission).

Submission:

Labcorp Genetics (formerly Invitae), Labcorp
Classification: Uncertain significance. Last evaluated: 2025-08-04. Review status: criteria provided, single submitter. Criteria: Invitae Variant Classification Sherloc (09022015). Collection method: clinical testing. Allele origin: germline.
Comment: This sequence change replaces glycine, which is neutral and non-polar, with serine, which is neutral and polar, at codon 1141 of the COL11A1 protein (p.Gly1141Ser). This variant is not present in population databases (gnomAD no frequency). This variant has not been reported in the literature in individuals affected with COL11A1-related conditions. ClinVar contains an entry for this variant (Variation ID: 3730545). Invitae Evidence Modeling of protein sequence and biophysical properties (such as structural, functional, and spatial information, amino acid conservation, physicochemical variation, residue mobility, and thermodynamic stability) indicates that this missense variant is expected to disrupt COL11A1 protein function with a positive predictive value of 80%. In summary, the available evidence is currently insufficient to determine the role of this variant in disease. Therefore, it has been classified as a Variant of Uncertain Significance.

NM_001854.4(COL11A1):c.3421G>A (p.Gly1141Ser)

Gene: COL11A1 (collagen type XI alpha 1 chain; minus strand). Cytogenetic location: 1p21.1.
Variant type: single nucleotide variant.
Coding change: c.3421G>A on transcript NM_001854.4 (MANE Select); coding-DNA position 3421, G replaced by A.
Protein change: p.Gly1141Ser; replaces glycine 1141 with serine.
Molecular consequence: missense variant. On other transcripts: non-coding transcript variant (1).
Genome position (GRCh38, 1-based): chr1:102,939,052, C>T on the plus strand (G>A on the coding strand, the complement: COL11A1 is on the minus strand). VCF-style: chr1-102939052-C-T. GRCh37 (hg19) VCF-style: chr1-103404608-C-T.
Other names: c.3304G>A, p.Gly1102Ser (NM_001190709.2); c.3457G>A, p.Gly1153Ser (NM_080629.3); c.3073G>A, p.Gly1025Ser (NM_080630.4); short protein forms G1102S, G1153S, G1025S, G1141S.
Identifiers: ClinVar variation 3730545 (VCV003730545.2).